The following is an entry in ClinVar:

ClinVar aggregate classification (germline): Pathogenic/Likely pathogenic. Review status: criteria provided, multiple submitters, no conflicts (2 of 4 stars). 2 submissions from 2 submitters: Pathogenic (1); Likely pathogenic (1). Last evaluated 2026-02-25.

Conditions:
Ellis-van Creveld syndrome (EVC). Also called: Chondroectodermal dysplasia; MESOECTODERMAL DYSPLASIA. Identifiers: Orphanet 289, MedGen C0013903, MONDO:0009162, OMIM 225500.

Submissions (2):

Myriad Genetics, Inc.
Classification: Pathogenic for Ellis-van Creveld syndrome. Last evaluated: 2026-02-25. Review status: criteria provided, single submitter. Criteria: Myriad Autosomal Dominant, Autosomal Recessive and X-Linked Classification Criteria (2023). Collection method: clinical testing. Allele origin: unknown.
Comment: NM_153717.2(EVC):c.645_647delCCTinsG(S215Rfs*26) is a frameshift variant classified as pathogenic in the context of EVC-related Ellis-van Creveld syndrome. S215Rfs*26 has not been observed in cases with relevant disease. Relevant functional assessments of this variant are not available in the literature. S215Rfs*26 has not been observed in referenced population frequency databases. In summary, NM_153717.2(EVC):c.645_647delCCTinsG(S215Rfs*26) is a frameshift variant in a gene where loss of function is a known mechanism of disease and is predicted to disrupt protein function. Please note: this variant was assessed in the context of healthy population screening.

Revvity Omics, Revvity
Classification: Likely pathogenic. Last evaluated: 2024-01-11. Review status: criteria provided, single submitter. Criteria: ACMG Guidelines, 2015. Collection method: clinical testing. Allele origin: germline.

NM_153717.3(EVC):c.645_647delinsG (p.Ser215fs)

Gene: EVC (EvC ciliary complex subunit 1; plus strand). Cytogenetic location: 4p16.2.
Variant type: Indel.
Coding change: c.645_647delinsG on transcript NM_153717.3 (MANE Select); coding-DNA positions 645 to 647, CCT replaced by G.
Protein change: p.Ser215fs; shifts the reading frame from serine 215.
Molecular consequence: frameshift variant.
Genome position (GRCh38, 1-based): chr4:5,733,378-5,733,380, CCT replaced by G. VCF-style: chr4-5733378-CCT-G. GRCh37 (hg19) VCF-style: chr4-5735105-CCT-G.
Other names: c.645_647delinsG, p.Ser215fs (NM_001306090.2, NM_001306092.2); short protein forms S215fs.
Identifiers: ClinVar variation 2690598 (VCV002690598.3), dbSNP rs2474716865, ClinGen allele CA2697557064.